The following is an entry in ClinVar:

NM_016151.4(TAOK2):c.1322C>A (p.Pro441Gln)

Gene: TAOK2 (TAO kinase 2; plus strand). Cytogenetic location: 16p11.2.
Variant type: single nucleotide variant.
Coding change: c.1322C>A on transcript NM_016151.4 (MANE Select); coding-DNA position 1322, C replaced by A.
Protein change: p.Pro441Gln; replaces proline 441 with glutamine.
Molecular consequence: missense variant.
Genome position (GRCh38, 1-based): chr16:29,983,564, C>A. VCF-style: chr16-29983564-C-A. GRCh37 (hg19) VCF-style: chr16-29994885-C-A.
Other names: c.1322C>A, p.Pro441Gln (NM_001252043.2, NM_004783.4); short protein forms P441Q.
Identifiers: ClinVar variation 3670190 (VCV003670190.2).
Genomic context (GRCh38, chr16:29,983,564, plus strand): 5'-GCTCTGACAACCTATATGATGACCCCTACCAGCCAGAGATAACCCCCAGCCCTCTCCAGC[C>A]GCCTGCAGCCCCAGCTCCCACTTCCACCACCTCTTCCGCCCGCCGCCGGGCCTACTGCCG-3'
Protein context (NP_057235.2, residues 431-451): QPEITPSPLQ[Pro441Gln]PAAPAPTSTT

ClinVar aggregate classification (germline): Uncertain significance (1 of 4 stars; one submission).

Submission:

Labcorp Genetics (formerly Invitae), Labcorp
Classification: Uncertain significance. Last evaluated: 2024-09-26. Review status: criteria provided, single submitter. Criteria: Invitae Variant Classification Sherloc (09022015). Collection method: clinical testing. Allele origin: germline.
Comment: This sequence change replaces proline, which is neutral and non-polar, with glutamine, which is neutral and polar, at codon 441 of the TAOK2 protein (p.Pro441Gln). This variant is not present in population databases (gnomAD no frequency). This variant has not been reported in the literature in individuals affected with TAOK2-related conditions. An algorithm developed to predict the effect of missense changes on protein structure and function outputs the following: PolyPhen-2: "Possibly Damaging". The glutamine amino acid residue is found in multiple mammalian species, which suggests that this missense change does not adversely affect protein function. In summary, the available evidence is currently insufficient to determine the role of this variant in disease. Therefore, it has been classified as a Variant of Uncertain Significance.